The following is an entry in ClinVar:

NM_004369.4(COL6A3):c.2305G>A (p.Ala769Thr)

Gene: COL6A3 (collagen type VI alpha 3 chain; minus strand). Cytogenetic location: 2q37.3.
Variant type: single nucleotide variant.
Coding change: c.2305G>A on transcript NM_004369.4 (MANE Select); coding-DNA position 2305, G replaced by A.
Protein change: p.Ala769Thr; replaces alanine 769 with threonine.
Molecular consequence: missense variant. On other transcripts: intron variant (1).
Genome position (GRCh38, 1-based): chr2:237,378,828, C>T on the plus strand (G>A on the coding strand, the complement: COL6A3 is on the minus strand). VCF-style: chr2-237378828-C-T. GRCh37 (hg19) VCF-style: chr2-238287471-C-T.
Other names: p.A769T:GCG>ACG; p.Ala769Thr; c.1084G>A, p.Ala362Thr (NM_057164.5); c.1687G>A, p.Ala563Thr (NM_057165.5, NM_057167.4); c.677-1484G>A (NM_057166.5); short protein forms A769T, A563T, A362T.
Identifiers: ClinVar variation 162554 (VCV000162554.25), dbSNP rs142719863, ClinGen allele CA295323.

ClinVar aggregate classification (germline): Conflicting classifications of pathogenicity. Review status: criteria provided, conflicting classifications (1 of 4 stars). 8 submissions from 8 submitters: Uncertain significance (5); Benign (1); Likely benign (1). 1 of the submissions does not count toward it. Last evaluated 2026-01-14.

Conditions:
Collagen 6-related myopathy. Identifiers: MedGen CN117976, MONDO:0100225.
Bethlem myopathy 1A. Also called: Bethlem Muscular Dystrophy; MYOPATHY, BENIGN CONGENITAL, WITH CONTRACTURES; Bethlem myopathy 1. Identifiers: Orphanet 610, MedGen CN029274, MONDO:0024530, OMIM 158810.

Allele frequency attached by ClinVar (database versions not stated): ESP Exome Variant Server 0.00008; gnomAD 0.00010 and 0.00013; TOPMed 0.00018; 1000 Genomes Project 0.00020; 1000 Genomes Project 30x 0.00031.

Submissions (8):

Labcorp Genetics (formerly Invitae), Labcorp
Classification: Likely benign for Bethlem myopathy 1A. Last evaluated: 2026-01-14. Review status: criteria provided, single submitter. Criteria: Invitae Variant Classification Sherloc (09022015). Collection method: clinical testing. Allele origin: germline.

Mayo Clinic Laboratories, Mayo Clinic
Classification: Uncertain significance. Last evaluated: 2023-01-12. Review status: criteria provided, single submitter. Criteria: ACMG Guidelines, 2015. Collection method: clinical testing. Allele origin: germline. Observed: 2 variant alleles.

Revvity Omics, Revvity
Classification: Uncertain significance. Last evaluated: 2021-11-01. Review status: criteria provided, single submitter. Criteria: ACMG Guidelines, 2015. Collection method: clinical testing. Allele origin: germline.

MGZ Medical Genetics Center
Classification: Uncertain significance for Bethlem myopathy 1A. Last evaluated: 2021-08-26. Review status: criteria provided, single submitter. Criteria: ACMG Guidelines, 2015. Collection method: clinical testing. Allele origin: germline. Affected: yes. Observed: 1 variant allele.
Comment: ACMG criteria applied: PM2_SUP

Illumina Laboratory Services, Illumina
Classification: Benign for Collagen VI-related myopathy. Last evaluated: 2018-01-13. Review status: criteria provided, single submitter. Criteria: ICSL Variant Classification Criteria 13 December 2019. Collection method: clinical testing. Allele origin: germline.
Comment: This variant was observed in the ICSL laboratory as part of a predisposition screen in an ostensibly healthy population. It had not been previously curated by ICSL or reported in the Human Gene Mutation Database (HGMD: prior to June 1st, 2018), and was therefore a candidate for classification through an automated scoring system. Utilizing variant allele frequency, disease prevalence and penetrance estimates, and inheritance mode, an automated score was calculated to assess if this variant is too frequent to cause the disease. Based on the score and internal cut-off values, a variant classified as benign is not then subjected to further curation. The score for this variant resulted in a classification of benign for this disease.

Eurofins Ntd Llc (ga)
Classification: Uncertain significance. Last evaluated: 2017-04-26. Review status: criteria provided, single submitter. Criteria: EGL Classification Definitions 2015. Collection method: clinical testing. Allele origin: germline. Observed: 1 variant allele, 1 heterozygote.

GeneDx
Classification: Uncertain significance. Last evaluated: 2016-07-20. Review status: criteria provided, single submitter. Criteria: GeneDx Variant Classification (06012015). Collection method: clinical testing. Allele origin: germline. Affected: yes.
Comment: A variant of uncertain significance has been identified in the COL6A3 gene. The A769T variant has not been published as a pathogenic variant, nor has it been reported as a benign variant to our knowledge. It was not observed with any significant frequency in approximately 6,500 individuals of European and African American ancestry in the NHLBI Exome Sequencing Project, nor was it observed with any significant frequency in the 1000 Genomes Project. The A769T variant is a non-conservative amino acid substitution, which is likely to impact secondary protein structure as these residues differ in polarity, charge, size and/or other properties. However, this substitution occurs at a position that is not conserved, and in silico predicts this variant likely does not alter the protein structure/function. Therefore, based on the currently available information, it is unclear whether this variant is a pathogenic variant or a rare benign variant.

Department of Pathology and Laboratory Medicine, Sinai Health System
Classification: Uncertain significance. Review status: no assertion criteria provided. Collection method: clinical testing. Allele origin: unknown. Affected: yes. Study: The Canadian Open Genetics Repository (COGR). Not counted in ClinVar's aggregate classification.
Comment: The COL6A3 p.Ala563Thr variant was not identified in the literature but was identified in dbSNP (ID: rs142719863) and ClinVar (classified as likely benign by Illumina and as uncertain significance by GeneDx, EGL Genetic Diagnostics and Invitae). The variant was identified in control databases in 56 of 282782 chromosomes (1 homozygous) at a frequency of 0.000198 (Genome Aggregation Database March 6, 2019, v2.1.1). The variant was observed in the following populations: South Asian in 36 of 30610 chromosomes (freq: 0.001176), African in 7 of 24964 chromosomes (freq: 0.00028), East Asian in 3 of 19954 chromosomes (freq: 0.00015), Other in 1 of 7226 chromosomes (freq: 0.000138), European (non-Finnish) in 8 of 129108 chromosomes (freq: 0.000062) and Latino in 1 of 35430 chromosomes (freq: 0.000028), but was not observed in the Ashkenazi Jewish or European (Finnish) populations. The p.Ala563 residue is conserved in mammals and computational analyses (PolyPhen-2, SIFT, AlignGVGD, BLOSUM, MutationTaster) provide inconsistent predictions regarding the impact to the protein; this information is not very predictive of pathogenicity. The variant occurs outside of the splicing consensus sequence and in silico or computational prediction software programs (SpliceSiteFinder, MaxEntScan, NNSPLICE, GeneSplicer) do not predict a difference in splicing. In summary, based on the above information the clinical significance of this variant cannot be determined with certainty at this time. This variant is classified as a variant of uncertain significance.

Literature cited by the submitters: PubMed 33964895 (cited by Mayo Clinic Laboratories, Mayo Clinic).